The following is an entry in ClinVar:

ClinVar aggregate classification (germline): Pathogenic (1 of 4 stars; one submission).

Submission:

Labcorp Genetics (formerly Invitae), Labcorp
Classification: Pathogenic. Last evaluated: 2025-12-31. Review status: criteria provided, single submitter. Criteria: Invitae Variant Classification Sherloc (09022015). Collection method: clinical testing. Allele origin: germline.
Comment: This sequence change creates a premature translational stop signal (p.Gly133Ilefs*46) in the MUT gene. It is expected to result in an absent or disrupted protein product. Loss-of-function variants in MUT are known to be pathogenic (PMID: 15781192). Information on the frequency of this variant in the gnomAD database is not available, as this variant may be reported differently in the database. This variant has not been reported in the literature in individuals affected with MUT-related conditions. For these reasons, this variant has been classified as Pathogenic.

Literature cited by the submitters: PubMed 15781192.

NM_000255.4(MMUT):c.396_414delinsAATATATAAAGCCAC (p.Gly133fs)

Gene: MMUT (methylmalonyl-CoA mutase; minus strand). Cytogenetic location: 6p12.3.
Variant type: Indel.
Coding change: c.396_414delinsAATATATAAAGCCAC on transcript NM_000255.4 (MANE Select); coding-DNA positions 396 to 414, GGGATTATCAGTTGCCTTT replaced by AATATATAAAGCCAC.
Protein change: p.Gly133fs; shifts the reading frame from glycine 133.
Molecular consequence: frameshift variant.
Genome position (GRCh38, 1-based): chr6:49,458,030-49,458,048, AAAGGCAACTGATAATCCC replaced by GTGGCTTTATATATT on the plus strand (GGGATTATCAGTTGCCTTT replaced by AATATATAAAGCCAC on the coding strand, the reverse complement: MMUT is on the minus strand). GRCh37 (hg19): chr6:49,425,743-49,425,761.
Other names: short protein forms G133fs.
Identifiers: ClinVar variation 2032090 (VCV002032090.4), dbSNP rs2481347809, ClinGen allele CA2580075487.
Genomic context (GRCh38, chr6:49,458,030, plus strand): 5'-TCCAACATCACCACGAACTCGAGGGTTGTCTGAATCATAGCCACGATGTGTCGCCAGATC[AAAGGCAACTGATAATCCC>GTGGCTTTATATATT]TGCTGACCAGCTAAATATATAAAGAAAAATAATGTAAGATTCAAGAGTCTGGAATCAAGG-3'